The following is an entry in ClinVar:

ClinVar aggregate classification (germline): Benign/Likely benign. Review status: criteria provided, multiple submitters, no conflicts (2 of 4 stars). 5 submissions from 5 submitters: Benign (4); Likely benign (1). Last evaluated 2026-01-24.

Conditions:
Oculotrichoanal syndrome (MOTA). Also called: MARLES SYNDROME; Manitoba Oculotrichoanal (MOTA) Syndrome. Identifiers: Orphanet 2717, MedGen C1855425, MONDO:0009560, OMIM 248450.

Allele frequency attached by ClinVar (database versions not stated): gnomAD exomes 0.00547; ExAC 0.00958; ESP Exome Variant Server 0.01751; TOPMed 0.02114; 1000 Genomes Project 0.02137; 1000 Genomes Project 30x 0.02452.
gnomAD v4.1: 6,432 of 1,600,130 alleles (0.4%); highest among the groups gnomAD compares: African/African-American, 6.3%; 163 homozygotes.

Submissions (5):

Labcorp Genetics (formerly Invitae), Labcorp
Classification: Benign. Last evaluated: 2026-01-24. Review status: criteria provided, single submitter. Criteria: Invitae Variant Classification Sherloc (09022015). Collection method: clinical testing. Allele origin: germline.

Blueprint Genetics
Classification: Likely benign. Last evaluated: 2024-11-26. Review status: criteria provided, single submitter. Criteria: ACMG Guidelines, 2015. Collection method: clinical testing. Allele origin: germline.

GeneDx
Classification: Benign. Last evaluated: 2021-05-05. Review status: criteria provided, single submitter. Criteria: GeneDx Variant Classification Process June 2021. Collection method: clinical testing. Allele origin: germline. Affected: yes.

Illumina Laboratory Services, Illumina
Classification: Benign for Oculotrichoanal syndrome. Last evaluated: 2018-01-12. Review status: criteria provided, single submitter. Criteria: ICSL Variant Classification Criteria 13 December 2019. Collection method: clinical testing. Allele origin: germline.
Comment: This variant was observed in the ICSL laboratory as part of a predisposition screen in an ostensibly healthy population. It had not been previously curated by ICSL or reported in the Human Gene Mutation Database (HGMD: prior to June 1st, 2018), and was therefore a candidate for classification through an automated scoring system. Utilizing variant allele frequency, disease prevalence and penetrance estimates, and inheritance mode, an automated score was calculated to assess if this variant is too frequent to cause the disease. Based on the score and internal cut-off values, a variant classified as benign is not then subjected to further curation. The score for this variant resulted in a classification of benign for this disease.

Breakthrough Genomics
Classification: Benign. Review status: criteria provided, single submitter. Criteria: ACMG Guidelines, 2015. Collection method: not provided. Allele origin: germline. Inheritance: Autosomal recessive inheritance. Affected: yes.

NM_001379081.2(FREM1):c.45G>T (p.Leu15=)

Gene: FREM1 (FRAS1 related extracellular matrix 1; minus strand). Cytogenetic location: 9p22.3.
Variant type: single nucleotide variant.
Coding change: c.45G>T on transcript NM_001379081.2 (MANE Select); coding-DNA position 45, G replaced by T.
Protein change: p.Leu15=; no amino-acid change (leucine 15 retained).
Molecular consequence: synonymous variant. On other transcripts: non-coding transcript variant (4).
Genome position (GRCh38, 1-based): chr9:14,868,933, C>A on the plus strand (G>T on the coding strand, the complement: FREM1 is on the minus strand). VCF-style: chr9-14868933-C-A. GRCh37 (hg19) VCF-style: chr9-14868931-C-A.
Other names: c.45G>T, p.Leu15= (NM_001370060.1, NM_001370063.1, NM_001370065.1 and 1 more transcripts).
Identifiers: ClinVar variation 366178 (VCV000366178.17), dbSNP rs61747529, ClinGen allele CA4991693.